The following is an entry in ClinVar:

ClinVar aggregate classification (germline): Uncertain significance (1 of 4 stars; one submission).

Conditions:
DICER1-related tumor predisposition. Also called: DICER1 syndrome; DICER1-related pleuropulmonary blastoma cancer predisposition syndrome. Identifiers: Orphanet 284343, MedGen C3839822, MONDO:0100216.

Submission:

Labcorp Genetics (formerly Invitae), Labcorp
Classification: Uncertain significance for DICER1-related tumor predisposition. Last evaluated: 2023-07-25. Review status: criteria provided, single submitter. Criteria: Invitae Variant Classification Sherloc (09022015). Collection method: clinical testing. Allele origin: germline.
Comment: In summary, the available evidence is currently insufficient to determine the role of this variant in disease. Therefore, it has been classified as a Variant of Uncertain Significance. Advanced modeling of protein sequence and biophysical properties (such as structural, functional, and spatial information, amino acid conservation, physicochemical variation, residue mobility, and thermodynamic stability) performed at Invitae indicates that this missense variant is not expected to disrupt DICER1 protein function. This variant has not been reported in the literature in individuals affected with DICER1-related conditions. This variant is not present in population databases (gnomAD no frequency). This sequence change replaces histidine, which is basic and polar, with tyrosine, which is neutral and polar, at codon 1549 of the DICER1 protein (p.His1549Tyr).

NM_177438.3(DICER1):c.4645C>T (p.His1549Tyr)

Gene: DICER1 (dicer 1, ribonuclease III; minus strand). Cytogenetic location: 14q32.13.
Variant type: single nucleotide variant.
Coding change: c.4645C>T on transcript NM_177438.3 (MANE Select); coding-DNA position 4645, C replaced by T.
Protein change: p.His1549Tyr; replaces histidine 1549 with tyrosine.
Molecular consequence: missense variant. On other transcripts: non-coding transcript variant (6).
Genome position (GRCh38, 1-based): chr14:95,096,275, G>A on the plus strand (C>T on the coding strand, the complement: DICER1 is on the minus strand). VCF-style: chr14-95096275-G-A. GRCh37 (hg19) VCF-style: chr14-95562612-G-A.
Other names: c.4645C>T, p.His1549Tyr (NM_001195573.1, NM_001271282.3, NM_001291628.2 and 13 more transcripts); c.4363C>T, p.His1455Tyr (NM_001395686.1); c.4240C>T, p.His1414Tyr (NM_001395687.1, NM_001395688.1, NM_001395689.1 and 2 more transcripts); c.4078C>T, p.His1360Tyr (NM_001395691.1); c.2962C>T, p.His988Tyr (NM_001395697.1); short protein forms H1549Y, H1414Y, H1360Y, H1455Y, H988Y.
Identifiers: ClinVar variation 3022798 (VCV003022798.3), dbSNP rs1595340328, ClinGen allele CA390867620.